The following is an entry in ClinVar:

NM_001364905.1(LRBA):c.1958C>A (p.Ser653Tyr)

Gene: LRBA (LPS responsive beige-like anchor protein; minus strand). Cytogenetic location: 4q31.3.
Variant type: single nucleotide variant.
Coding change: c.1958C>A on transcript NM_001364905.1 (MANE Select); coding-DNA position 1958, C replaced by A.
Protein change: p.Ser653Tyr; replaces serine 653 with tyrosine.
Molecular consequence: missense variant.
Genome position (GRCh38, 1-based): chr4:150,897,785, G>T on the plus strand (C>A on the coding strand, the complement: LRBA is on the minus strand). VCF-style: chr4-150897785-G-T. GRCh37 (hg19) VCF-style: chr4-151818937-G-T.
Other names: c.1958C>A, p.Ser653Tyr (NM_001199282.3, NM_001367550.1, NM_006726.5); short protein forms S653Y.
Identifiers: ClinVar variation 1484562 (VCV001484562.6), dbSNP rs2127121852, ClinGen allele CA358429563.

ClinVar aggregate classification (germline): Uncertain significance (1 of 4 stars; one submission).

Conditions:
Combined immunodeficiency due to LRBA deficiency. Also called: Common variable immunodeficiency 8, with autoimmunity. Identifiers: Orphanet 445018, MedGen C3553512, MONDO:0013863, OMIM 614700.

Submission:

Labcorp Genetics (formerly Invitae), Labcorp
Classification: Uncertain significance for Combined immunodeficiency due to LRBA deficiency. Last evaluated: 2021-11-06. Review status: criteria provided, single submitter. Criteria: Invitae Variant Classification Sherloc (09022015). Collection method: clinical testing. Allele origin: germline.
Comment: Algorithms developed to predict the effect of missense changes on protein structure and function are either unavailable or do not agree on the potential impact of this missense change (SIFT: "Deleterious"; PolyPhen-2: "Probably Damaging"; Align-GVGD: "Class C0"). In summary, the available evidence is currently insufficient to determine the role of this variant in disease. Therefore, it has been classified as a Variant of Uncertain Significance. This sequence change replaces serine, which is neutral and polar, with tyrosine, which is neutral and polar, at codon 653 of the LRBA protein (p.Ser653Tyr). This variant is not present in population databases (gnomAD no frequency). This variant has not been reported in the literature in individuals affected with LRBA-related conditions.